The following is an entry in ClinVar:

ClinVar aggregate classification (germline): Pathogenic (1 of 4 stars; one submission).

Conditions:
Nephronophthisis 15 (NPHP15). Identifiers: Orphanet 3156, MedGen C3541853, MONDO:0013917, OMIM 614845.

gnomAD v4.1: 1 of 1,614,134 alleles (0.000062%); highest among the groups gnomAD compares: Non-Finnish European, 0.000085%; no homozygotes.

Submission:

Labcorp Genetics (formerly Invitae), Labcorp
Classification: Pathogenic for Nephronophthisis 15. Last evaluated: 2025-12-30. Review status: criteria provided, single submitter. Criteria: Invitae Variant Classification Sherloc (09022015). Collection method: clinical testing. Allele origin: germline.
Comment: This sequence change creates a premature translational stop signal (p.Gln797*) in the CEP164 gene. It is expected to result in an absent or disrupted protein product. Loss-of-function variants in CEP164 are known to be pathogenic (PMID: 22863007, 28125082, 32367404, 34132027, 34499853). This variant is not present in population databases (gnomAD no frequency). This variant has not been reported in the literature in individuals affected with CEP164-related conditions. For these reasons, this variant has been classified as Pathogenic.

Literature cited by the submitters: PubMed 22863007; PubMed 28125082; PubMed 32367404; PubMed 34132027; PubMed 34499853.

NM_014956.5(CEP164):c.2389C>T (p.Gln797Ter)

Gene: CEP164 (centrosomal protein 164; plus strand). Cytogenetic location: 11q23.3.
Variant type: single nucleotide variant.
Coding change: c.2389C>T on transcript NM_014956.5 (MANE Select); coding-DNA position 2389, C replaced by T.
Protein change: p.Gln797Ter; replaces glutamine 797 with a stop codon.
Molecular consequence: nonsense.
Genome position (GRCh38, 1-based): chr11:117,392,523, C>T. VCF-style: chr11-117392523-C-T. GRCh37 (hg19) VCF-style: chr11-117263239-C-T.
Other names: c.2398C>T, p.Gln800Ter (NM_001271933.2, NM_001440949.1); c.2389C>T, p.Gln797Ter (NM_001440950.1, NM_001440951.1, NM_001440953.1); c.2224C>T, p.Gln742Ter (NM_001440952.1, NM_001440968.1, NM_001440969.1); c.2311C>T, p.Gln771Ter (NM_001440954.1, NM_001440955.1, NM_001440958.1 and 1 more transcripts); c.2302C>T, p.Gln768Ter (NM_001440956.1, NM_001440957.1); c.2260C>T, p.Gln754Ter (NM_001440960.1); c.2251C>T, p.Gln751Ter (NM_001440961.1, NM_001440967.1); c.2242C>T, p.Gln748Ter (NM_001440962.1, NM_001440963.1, NM_001440964.1 and 4 more transcripts); and 7 more; short protein forms Q722*, Q742*, Q652*, Q701*, Q744*, Q771*, Q748*, Q751*.
Identifiers: ClinVar variation 4725866 (VCV004725866.1).